The following is an entry in ClinVar:

ClinVar aggregate classification (germline): Pathogenic (1 of 4 stars; one submission).

Conditions:
Hereditary hemorrhagic telangiectasia (HHT). Also called: ORW DISEASE; Osler Weber Rendu syndrome; OSLER-RENDU-WEBER DISEASE; Osler hemorrhagic telangiectasia syndrome. Identifiers: Orphanet 774, MedGen C0039445, MONDO:0019180. Disease mechanism: loss of function.

Submission:

Labcorp Genetics (formerly Invitae), Labcorp
Classification: Pathogenic for Hereditary hemorrhagic telangiectasia. Last evaluated: 2025-09-02. Review status: criteria provided, single submitter. Criteria: Invitae Variant Classification Sherloc (09022015). Collection method: clinical testing. Allele origin: germline.
Comment: This sequence change creates a premature translational stop signal (p.Arg3Profs*29) in the ENG gene. It is expected to result in an absent or disrupted protein product. Loss-of-function variants in ENG are known to be pathogenic (PMID: 15879500). This variant is not present in population databases (gnomAD no frequency). This variant has not been reported in the literature in individuals affected with ENG-related conditions. For these reasons, this variant has been classified as Pathogenic.

Literature cited by the submitters: PubMed 15879500.

NM_001114753.3(ENG):c.7dup (p.Arg3fs)

Gene: ENG (endoglin; minus strand). Cytogenetic location: 9q34.11.
Variant type: Duplication.
Coding change: c.7dup on transcript NM_001114753.3 (MANE Select); coding-DNA position 7, one base duplicated (C; older notation c.7dupC).
Protein change: p.Arg3fs; shifts the reading frame from arginine 3.
Molecular consequence: frameshift variant.
Genome position (GRCh38, 1-based): chr9:127,854,349, G duplicated on the plus strand (C on the coding strand, the reverse complement: ENG is on the minus strand); the first of 2 consecutive G bases (chr9:127,854,349-127,854,350); duplicating either gives the same sequence. VCF-style (leftmost placement, unchanged base first): chr9-127854348-C-CG. GRCh37 (hg19) VCF-style: chr9-130616627-C-CG.
Other names: c.7dup, p.Arg3fs (NM_000118.4, NM_001406715.1); short protein forms R3fs.
Identifiers: ClinVar variation 4721296 (VCV004721296.1).